The following is an entry in ClinVar:

ClinVar aggregate classification (germline): Uncertain significance (1 of 4 stars; one submission).

Conditions:
Ataxia-telangiectasia syndrome (AT). Also called: ATAXIA-TELANGIECTASIA, COMPLEMENTATION GROUP A; ATAXIA-TELANGIECTASIA, FRESNO VARIANT; Ataxia-telangiectasia; Ataxia-telangiectasia, complementation group D; AT, COMPLEMENTATION GROUP C; Ataxia-telangiectasia, complementation group E. Identifiers: Orphanet 100, MedGen C0004135, MONDO:0008840, OMIM 208900.

Submission:

Labcorp Genetics (formerly Invitae), Labcorp
Classification: Uncertain significance for Ataxia-telangiectasia syndrome. Last evaluated: 2025-03-04. Review status: criteria provided, single submitter. Criteria: Invitae Variant Classification Sherloc (09022015). Collection method: clinical testing. Allele origin: germline.
Comment: This sequence change replaces leucine, which is neutral and non-polar, with proline, which is neutral and non-polar, at codon 690 of the ATM protein (p.Leu690Pro). This variant is not present in population databases (gnomAD no frequency). This variant has not been reported in the literature in individuals affected with ATM-related conditions. ClinVar contains an entry for this variant (Variation ID: 524244). Invitae Evidence Modeling of protein sequence and biophysical properties (such as structural, functional, and spatial information, amino acid conservation, physicochemical variation, residue mobility, and thermodynamic stability) has been performed for this missense variant. However, the output from this modeling did not meet the statistical confidence thresholds required to predict the impact of this variant on ATM protein function. In summary, the available evidence is currently insufficient to determine the role of this variant in disease. Therefore, it has been classified as a Variant of Uncertain Significance.

NM_000051.4(ATM):c.2069T>C (p.Leu690Pro)

Gene: ATM (ATM serine/threonine kinase; plus strand). Cytogenetic location: 11q22.3.
Variant type: single nucleotide variant.
Coding change: c.2069T>C on transcript NM_000051.4 (MANE Select); coding-DNA position 2069, T replaced by C.
Protein change: p.Leu690Pro; replaces leucine 690 with proline.
Molecular consequence: missense variant.
Genome position (GRCh38, 1-based): chr11:108,253,984, T>C. VCF-style: chr11-108253984-T-C. GRCh37 (hg19) VCF-style: chr11-108124711-T-C.
Other names: c.2069T>C, p.Leu690Pro (NM_001351834.2); short protein forms L690P.
Identifiers: ClinVar variation 524244 (VCV000524244.7), dbSNP rs1555073438, ClinGen allele CA382537515.